The following is an entry in ClinVar:

NM_001352754.2(ARMC9):c.1196C>T (p.Ala399Val)

Gene: ARMC9 (armadillo repeat containing 9; plus strand). Cytogenetic location: 2q37.1.
Variant type: single nucleotide variant.
Coding change: c.1196C>T on transcript NM_001352754.2 (MANE Select); coding-DNA position 1196, C replaced by T.
Protein change: p.Ala399Val; replaces alanine 399 with valine.
Molecular consequence: missense variant. On other transcripts: non-coding transcript variant (1).
Genome position (GRCh38, 1-based): chr2:231,271,058, C>T. VCF-style: chr2-231271058-C-T. GRCh37 (hg19) VCF-style: chr2-232135771-C-T.
Other names: c.1196C>T, p.Ala399Val (NM_001271466.4, NM_001291656.2, NM_001352755.2 and 3 more transcripts); c.1097C>T, p.Ala366Val (NM_001352757.2, NM_001352758.2); short protein forms A366V, A399V.
Identifiers: ClinVar variation 963914 (VCV000963914.8), dbSNP rs200495416, ClinGen allele CA2160226.

ClinVar aggregate classification (germline): Uncertain significance. Review status: criteria provided, multiple submitters, no conflicts (2 of 4 stars). 3 submissions from 3 submitters: Uncertain significance (3). Last evaluated 2025-09-10.

Conditions:
Joubert syndrome 30. Identifiers: MedGen C4539937, MONDO:0033308, OMIM 617622.

Allele frequency attached by ClinVar (database versions not stated): gnomAD 0.00001; TOPMed 0.00002; gnomAD exomes 0.00006 and 0.00010; ExAC 0.00010.
gnomAD v4.1: 89 of 1,613,974 alleles (0.0055%); highest among the groups gnomAD compares: Middle Eastern, 0.099%; no homozygotes.

Submissions (3):

Genomic Medicine Center of Excellence, King Faisal Specialist Hospital and Research Centre
Classification: Uncertain significance for Joubert syndrome 30. Last evaluated: 2025-09-10. Review status: criteria provided, single submitter. Criteria: ACMG Guidelines, 2015. Collection method: clinical testing. Allele origin: germline.

Labcorp Genetics (formerly Invitae), Labcorp
Classification: Uncertain significance. Last evaluated: 2025-01-05. Review status: criteria provided, single submitter. Criteria: Invitae Variant Classification Sherloc (09022015). Collection method: clinical testing. Allele origin: germline.
Comment: This sequence change replaces alanine, which is neutral and non-polar, with valine, which is neutral and non-polar, at codon 399 of the ARMC9 protein (p.Ala399Val). This variant is present in population databases (rs200495416, gnomAD 0.02%). This variant has not been reported in the literature in individuals affected with ARMC9-related conditions. ClinVar contains an entry for this variant (Variation ID: 963914). Experimental studies and prediction algorithms are not available or were not evaluated, and the functional significance of this variant is currently unknown. In summary, the available evidence is currently insufficient to determine the role of this variant in disease. Therefore, it has been classified as a Variant of Uncertain Significance.

Blueprint Genetics
Classification: Uncertain significance. Last evaluated: 2023-09-18. Review status: criteria provided, single submitter. Criteria: ACMG Guidelines, 2015. Collection method: clinical testing. Allele origin: germline.